The following is an entry in ClinVar:

ClinVar aggregate classification (germline): Likely benign. Review status: criteria provided, multiple submitters, no conflicts (2 of 4 stars). 2 submissions from 2 submitters: Likely benign (2). Last evaluated 2018-01-12.

Conditions:
Mitochondrial complex I deficiency, nuclear type 1. Also called: NADH-COENZYME Q REDUCTASE DEFICIENCY; MITOCHONDRIAL NADH DEHYDROGENASE COMPONENT OF COMPLEX I, DEFICIENCY OF. Identifiers: MedGen C6022305, MONDO:0100224, OMIM 252010.

Allele frequency attached by ClinVar (database versions not stated): 1000 Genomes Project 0.02975; 1000 Genomes Project 30x 0.03045; gnomAD 0.03489 and 0.03558; TOPMed 0.03542; gnomAD exomes 0.04138.
gnomAD v4.1: 6,652 of 181,838 alleles (3.7%); highest among the groups gnomAD compares: Middle Eastern, 8.2%; 163 homozygotes.

Submissions (2):

Illumina Laboratory Services, Illumina
Classification: Likely benign for Mitochondrial complex I deficiency, nuclear type 1. Last evaluated: 2018-01-12. Review status: criteria provided, single submitter. Criteria: ICSL Variant Classification Criteria 13 December 2019. Collection method: clinical testing. Allele origin: germline.
Comment: This variant was observed in the ICSL laboratory as part of a predisposition screen in an ostensibly healthy population. It had not been previously curated by ICSL or reported in the Human Gene Mutation Database (HGMD: prior to June 1st, 2018), and was therefore a candidate for classification through an automated scoring system. Utilizing variant allele frequency, disease prevalence and penetrance estimates, and inheritance mode, an automated score was calculated to assess if this variant is too frequent to cause the disease. Based on the score and internal cut-off values, a variant classified as likely benign is not then subjected to further curation. The score for this variant resulted in a classification of likely benign for this disease.

Breakthrough Genomics
Classification: Likely benign. Review status: criteria provided, single submitter. Criteria: ACMG Guidelines, 2015. Collection method: not provided. Allele origin: germline. Inheritance: Autosomal recessive inheritance. Affected: yes.

NM_014165.4(NDUFAF4):c.*387C>T

Gene: NDUFAF4 (NADH:ubiquinone oxidoreductase complex assembly factor 4; minus strand). Cytogenetic location: 6q16.1.
Variant type: single nucleotide variant.
Coding change: c.*387C>T on transcript NM_014165.4 (MANE Select); 387 bases downstream of the stop codon, C replaced by T.
Molecular consequence: 3 prime UTR variant.
Genome position (GRCh38, 1-based): chr6:96,890,717, G>A on the plus strand (C>T on the coding strand, the complement: NDUFAF4 is on the minus strand). VCF-style: chr6-96890717-G-A. GRCh37 (hg19) VCF-style: chr6-97338593-G-A.
Identifiers: ClinVar variation 358263 (VCV000358263.6), dbSNP rs41288596, ClinGen allele CA10624880.